The following is an entry in ClinVar:

NM_000103.4(CYP19A1):c.1021+1G>A

Genes: PIRC66 (piwi-interacting RNA cluster 66; plus strand), MIR4713HG (MIR4713 host gene; plus strand), CYP19A1 (cytochrome P450 family 19 subfamily A member 1; minus strand). Cytogenetic location: 15q21.2.
Variant type: single nucleotide variant.
Coding change: c.1021+1G>A on transcript NM_000103.4 (MANE Select); the canonical splice donor site of the intron after coding-DNA position 1021, G replaced by A.
Molecular consequence: splice donor variant.
Genome position (GRCh38, 1-based): chr15:51,215,069, C>T on the plus strand (G>A on the coding strand, the complement: CYP19A1 is on the minus strand). VCF-style: chr15-51215069-C-T. GRCh37 (hg19) VCF-style: chr15-51507266-C-T.
Other names: c.1021+1G>A (NM_031226.3, NM_001347248.1, NM_001347249.2 and 7 more transcripts).
Identifiers: ClinVar variation 4816265 (VCV004816265.1).

ClinVar aggregate classification (germline): Likely pathogenic (1 of 4 stars; one submission).

Conditions:
Aromatase deficiency. Also called: PSEUDOHERMAPHRODITISM, FEMALE, DUE TO PLACENTAL AROMATASE DEFICIENCY; Increased aromatase activity. Identifiers: Orphanet 91, MedGen C1960539, MONDO:0013301, OMIM 613546.

Submission:

Natera, Inc.
Classification: Likely pathogenic for Aromatase deficiency. Last evaluated: 2024-12-22. Review status: criteria provided, single submitter. Criteria: Natera Variant Classification Schema (03/2026). Collection method: clinical testing. Allele origin: germline.
Comment: The c.1021+1G>A variant in CYP19A1 is a canonical splice donor site variant predicted to affect pre-mRNA splicing, which may result in an abnormal transcript and altered protein product. This variant is expected to result in nonsense mediated decay, truncation, or a dysfunctional protein product. This variant is rare in the general population with a frequency below the threshold expected for the associated phenotype(s). Given the available evidence, this variant is classified as Likely Pathogenic.